The following is an entry in ClinVar:

ClinVar aggregate classification (germline): Pathogenic (1 of 4 stars; one submission).

Conditions:
Hereditary cancer-predisposing syndrome. Also called: Tumor predisposition; Neoplastic Syndromes, Hereditary; Hereditary Cancer Syndrome; Hereditary neoplastic syndrome. Identifiers: Orphanet 140162, MedGen C0027672, MeSH D009386, MONDO:0015356.

Submission:

Ambry Genetics
Classification: Pathogenic for Hereditary cancer-predisposing syndrome. Last evaluated: 2019-08-05. Review status: criteria provided, single submitter. Criteria: Ambry Variant Classification Scheme 2023. Collection method: clinical testing. Allele origin: germline.
Comment: The c.324_325delGG pathogenic mutation, located in coding exon 4 of the PMS2 gene, results from a deletion of two nucleotides at nucleotide positions 324 to 325, causing a translational frameshift with a predicted alternate stop codon (p.E109Sfs*29). This alteration is expected to result in loss of function by premature protein truncation or nonsense-mediated mRNA decay. As such, this alteration is interpreted as a disease-causing mutation.

NM_000535.7(PMS2):c.324_325del (p.Glu109fs)

Gene: PMS2 (PMS1 homolog 2, mismatch repair system component; minus strand). Cytogenetic location: 7p22.1.
Variant type: Deletion.
Coding change: c.324_325del on transcript NM_000535.7 (MANE Select); coding-DNA positions 324 to 325, 2 bases deleted (GG; older notation c.324_325delGG).
Protein change: p.Glu109fs; shifts the reading frame from glutamic acid 109.
Molecular consequence: frameshift variant. On other transcripts: 5 prime UTR variant (9), non-coding transcript variant (1), intron variant (2).
Genome position (GRCh38, 1-based): chr7:6,003,718-6,003,719, CC deleted on the plus strand (GG on the coding strand, the reverse complement: PMS2 is on the minus strand); deleting any 2 consecutive bases within chr7:6,003,718-6,003,723 gives the same sequence; the c. name uses the placement nearest the transcript's 3' end. VCF-style (leftmost placement, unchanged base first): chr7-6003717-TCC-T. GRCh37 (hg19) VCF-style: chr7-6043348-TCC-T.
Other names: c.-86_-85delGG (NM_001018040.1, NM_001406887.1, NM_001406891.1 and 8 more transcripts); c.-82_-81del (NM_001322003.2, NM_001322004.2, NM_001322005.2 and 3 more transcripts); c.324_325del, p.Glu109fs (NM_001322006.2, NM_001322014.2); c.-561_-560del (NM_001322011.2, NM_001322012.2); c.-161_-160del (NM_001322015.2); c.506_507delGG, p.Glu171Serfs (NM_001406866.1); c.344_345delGG, p.Glu117Serfs (NM_001406868.1); c.320_321delGG, p.Glu109Serfs (NM_001406869.1, NM_001406870.1, NM_001406871.1 and 6 more transcripts); and 4 more; short protein forms E109fs.
Identifiers: ClinVar variation 1729293 (VCV001729293.2), dbSNP rs587781716, ClinGen allele CA2580077016.